The following is an entry in ClinVar:

ClinVar aggregate classification (germline): Uncertain significance. Review status: criteria provided, multiple submitters, no conflicts (2 of 4 stars). 3 submissions from 3 submitters: Uncertain significance (2). 1 of the submissions does not count toward it. Last evaluated 2025-10-03.

Conditions:
Diabetes mellitus, transient neonatal, 3 (TNDM3). Identifiers: Orphanet 99886, MedGen C1864623, MONDO:0012522, OMIM 610582. Disease mechanism: loss of function.
Hyperinsulinemic hypoglycemia, familial, 2. Also called: HYPERINSULINEMIC HYPOGLYCEMIA, PERSISTENT; HYPERINSULINISM, NEONATAL. Identifiers: Orphanet 276580, Orphanet 276603, MedGen C2931833, MONDO:0011153, OMIM 601820. Disease mechanism: loss of function.
Permanent neonatal diabetes mellitus 1. Also called: GCK-Related Permanent Neonatal Diabetes Mellitus. Identifiers: MedGen C5393570, MONDO:0100165, OMIM 606176.
Maturity-onset diabetes of the young (MODY). Also called: Maturity onset diabetes mellitus in young. Identifiers: Orphanet 552, MedGen C0342276, MONDO:0018911, HP:0004904.

Allele frequency attached by ClinVar (database versions not stated): gnomAD 0.00001; ExAC 0.00002; gnomAD exomes 0.00002 and 0.00003; TOPMed 0.00002.

Submissions (3):

Labcorp Genetics (formerly Invitae), Labcorp
Classification: Uncertain significance. Last evaluated: 2025-10-03. Review status: criteria provided, single submitter. Criteria: Invitae Variant Classification Sherloc (09022015). Collection method: clinical testing. Allele origin: germline.
Comment: This sequence change replaces arginine, which is basic and polar, with histidine, which is basic and polar, at codon 365 of the KCNJ11 protein (p.Arg365His). This variant is present in population databases (rs750689750, gnomAD 0.007%). This variant has not been reported in the literature in individuals affected with KCNJ11-related conditions. ClinVar contains an entry for this variant (Variation ID: 551506). Invitae Evidence Modeling of protein sequence and biophysical properties (such as structural, functional, and spatial information, amino acid conservation, physicochemical variation, residue mobility, and thermodynamic stability) indicates that this missense variant is not expected to disrupt KCNJ11 protein function with a negative predictive value of 95%. In summary, the available evidence is currently insufficient to determine the role of this variant in disease. Therefore, it has been classified as a Variant of Uncertain Significance.

Clinical Genomics, Uppaluri K&H Personalized Medicine Clinic
Classification: Uncertain significance for Maturity-onset diabetes of the young. Review status: criteria provided, single submitter. Criteria: K & H Uppaluri Personalized Medicine Clinic Variant Classification & Assertion Criteria_Updated V.1. Collection method: research. Allele origin: somatic. Inheritance: Autosomal dominant inheritance.
Comment: Mutations in KCNJ11 gene can generally cause decreased production and secretion of insulin. This can lead to MODY. However, this particular variant (rs750689750) prevalence is too low in MODY cases and it is not associated with the condition. More evidence required to ascertain its significance.

Counsyl
Classification: Uncertain significance for Hyperinsulinemic hypoglycemia, familial, 2; Permanent neonatal diabetes mellitus 1; Diabetes mellitus, transient neonatal, 3. Last evaluated: 2017-08-04. Review status: no assertion criteria provided. Collection method: clinical testing. Allele origin: unknown. Not counted in ClinVar's aggregate classification.

Literature cited by the submitters: PubMed 17446535 (cited by Clinical Genomics, Uppaluri K&H Personalized Medicine Clinic and Counsyl); PubMed 18556340 (cited by Clinical Genomics, Uppaluri K&H Personalized Medicine Clinic and Counsyl).

NM_000525.4(KCNJ11):c.1094G>A (p.Arg365His)

Gene: KCNJ11 (potassium inwardly rectifying channel subfamily J member 11; minus strand). Cytogenetic location: 11p15.1.
Variant type: single nucleotide variant.
Coding change: c.1094G>A on transcript NM_000525.4 (MANE Select); coding-DNA position 1094, G replaced by A.
Protein change: p.Arg365His; replaces arginine 365 with histidine.
Molecular consequence: missense variant.
Genome position (GRCh38, 1-based): chr11:17,386,998, C>T on the plus strand (G>A on the coding strand, the complement: KCNJ11 is on the minus strand). VCF-style: chr11-17386998-C-T. GRCh37 (hg19) VCF-style: chr11-17408545-C-T.
Other names: c.833G>A, p.Arg278His (NM_001166290.2, NM_001377296.1, NM_001377297.1); short protein forms R365H, R278H.
Identifiers: ClinVar variation 551506 (VCV000551506.4), dbSNP rs750689750, ClinGen allele CA5902185.